The following is an entry in ClinVar:

ClinVar aggregate classification (germline): Uncertain significance (1 of 4 stars; one submission).

Submission:

GeneDx
Classification: Uncertain significance. Last evaluated: 2024-09-04. Review status: criteria provided, single submitter. Criteria: GeneDx Variant Classification Process June 2021. Collection method: clinical testing. Allele origin: germline. Affected: yes.
Comment: Not observed at significant frequency in large population cohorts (gnomAD); In silico analysis supports that this missense variant has a deleterious effect on protein structure/function; Has not been previously published as pathogenic or benign to our knowledge

NM_002232.5(KCNA3):c.1036G>A (p.Glu346Lys)

Gene: KCNA3 (potassium voltage-gated channel subfamily A member 3; minus strand). Cytogenetic location: 1p13.3.
Variant type: single nucleotide variant.
Coding change: c.1036G>A on transcript NM_002232.5 (MANE Select); coding-DNA position 1036, G replaced by A.
Protein change: p.Glu346Lys; replaces glutamic acid 346 with lysine.
Molecular consequence: missense variant.
Genome position (GRCh38, 1-based): chr1:110,673,774, C>T on the plus strand (G>A on the coding strand, the complement: KCNA3 is on the minus strand). VCF-style: chr1-110673774-C-T. GRCh37 (hg19) VCF-style: chr1-111216396-C-T.
Other names: short protein forms E346K.
Identifiers: ClinVar variation 3767850 (VCV003767850.1).